The following is an entry in ClinVar:

NM_001007553.3(CSDE1):c.1214A>C (p.Asn405Thr)

Gene: CSDE1 (cold shock domain containing E1; minus strand). Cytogenetic location: 1p13.2.
Variant type: single nucleotide variant.
Coding change: c.1214A>C on transcript NM_001007553.3 (MANE Select); coding-DNA position 1214, A replaced by C.
Protein change: p.Asn405Thr; replaces asparagine 405 with threonine.
Molecular consequence: missense variant.
Genome position (GRCh38, 1-based): chr1:114,730,400, T>G on the plus strand (A>C on the coding strand, the complement: CSDE1 is on the minus strand). VCF-style: chr1-114730400-T-G. GRCh37 (hg19) VCF-style: chr1-115273021-T-G.
Other names: c.1259A>C, p.Asn420Thr (NM_001130523.3); c.1352A>C, p.Asn451Thr (NM_001242891.2); c.1214A>C, p.Asn405Thr (NM_001242892.2); c.1121A>C, p.Asn374Thr (NM_001242893.2, NM_007158.6); short protein forms N374T, N451T, N405T, N420T.
Identifiers: ClinVar variation 3723881 (VCV003723881.2).
Genomic context (GRCh38, chr1:114,730,400, plus strand): 5'-TCTGAATGGGAATGAAATGAAACCGTGCCCTTGGGAAGTTTTTTAATCCTAATAGCATGA[T>G]TTCTTTGAGCAGAGAGCATATCCTAAAAATGATAAAACAAAATTAACTTTCAATTGAAAA-3'
Protein context (NP_001007554.1, residues 395-415): VVPDMLSAQR[Asn405Thr]HAIRIKKLPK

ClinVar aggregate classification (germline): Likely pathogenic (1 of 4 stars; one submission).

Submission:

Labcorp Genetics (formerly Invitae), Labcorp
Classification: Likely pathogenic. Last evaluated: 2024-10-27. Review status: criteria provided, single submitter. Criteria: Invitae Variant Classification Sherloc (09022015). Collection method: clinical testing. Allele origin: germline.
Comment: This sequence change replaces asparagine, which is neutral and polar, with threonine, which is neutral and polar, at codon 420 of the CSDE1 protein (p.Asn420Thr). This variant is not present in population databases (gnomAD no frequency). This missense change has been observed in individual(s) with CSDE1-related conditions (internal data). In at least one individual the variant was observed to be de novo. An algorithm developed to predict the effect of missense changes on protein structure and function (PolyPhen-2) suggests that this variant is likely to be disruptive. In summary, the currently available evidence indicates that the variant is pathogenic, but additional data are needed to prove that conclusively. Therefore, this variant has been classified as Likely Pathogenic.